The following is an entry in ClinVar:

NM_030973.4(MED25):c.1873G>A (p.Ala625Thr)

Gene: MED25 (mediator complex subunit 25; plus strand). Cytogenetic location: 19q13.33.
Variant type: single nucleotide variant.
Coding change: c.1873G>A on transcript NM_030973.4 (MANE Select); coding-DNA position 1873, G replaced by A.
Protein change: p.Ala625Thr; replaces alanine 625 with threonine.
Molecular consequence: missense variant.
Genome position (GRCh38, 1-based): chr19:49,835,853, G>A. VCF-style: chr19-49835853-G-A. GRCh37 (hg19) VCF-style: chr19-50339110-G-A.
Other names: c.1873G>A, p.Ala625Thr (NM_001378355.1); short protein forms A625T.
Identifiers: ClinVar variation 1428595 (VCV001428595.6), dbSNP rs1038939766, ClinGen allele CA309520704.

ClinVar aggregate classification (germline): Uncertain significance (1 of 4 stars; one submission).

Conditions:
Charcot-Marie-Tooth disease type 2. Also called: Charcot-Marie-Tooth type 2. Identifiers: Orphanet 64746, MedGen C0270914, MONDO:0018993.

Allele frequency attached by ClinVar (database versions not stated): TOPMed 0.00002; gnomAD 0.00004 and 0.00003; gnomAD exomes 0.00001.
gnomAD v4.1: 18 of 1,612,420 alleles (0.0011%); highest among the groups gnomAD compares: African/African-American, 0.0027%; no homozygotes.

Submission:

Labcorp Genetics (formerly Invitae), Labcorp
Classification: Uncertain significance for Charcot-Marie-Tooth disease type 2. Last evaluated: 2022-08-09. Review status: criteria provided, single submitter. Criteria: Invitae Variant Classification Sherloc (09022015). Collection method: clinical testing. Allele origin: germline.
Comment: Algorithms developed to predict the effect of missense changes on protein structure and function (SIFT, PolyPhen-2, Align-GVGD) all suggest that this variant is likely to be tolerated. In summary, the available evidence is currently insufficient to determine the role of this variant in disease. Therefore, it has been classified as a Variant of Uncertain Significance. ClinVar contains an entry for this variant (Variation ID: 1428595). This variant has not been reported in the literature in individuals affected with MED25-related conditions. This variant is present in population databases (no rsID available, gnomAD 0.002%). This sequence change replaces alanine, which is neutral and non-polar, with threonine, which is neutral and polar, at codon 625 of the MED25 protein (p.Ala625Thr).